The following is an entry in ClinVar:

ClinVar aggregate classification (germline): Conflicting classifications of pathogenicity. Review status: criteria provided, conflicting classifications (1 of 4 stars). 3 submissions from 3 submitters: Uncertain significance (1); Likely benign (2). Last evaluated 2025-03-12.

Conditions:
SCN4A-related disorder. Also called: SCN4A-related disorders.
Inborn genetic diseases. Identifiers: MedGen C0950123, MeSH D030342.
Hyperkalemic periodic paralysis. Also called: Gamstorp disease; Familial hyperkalemic periodic paralysis. Identifiers: Orphanet 682, MedGen C0238357, MONDO:0008224, OMIM 170500, HP:0007215.

Allele frequency attached by ClinVar (database versions not stated): TOPMed below 0.00001; gnomAD 0.00008; 1000 Genomes Project 30x 0.00016; 1000 Genomes Project 0.00020; gnomAD exomes 0.00027; ExAC 0.00036.
gnomAD v4.1: 233 of 1,613,310 alleles (0.014%); highest among the groups gnomAD compares: South Asian, 0.25%; 3 homozygotes.

Submissions (3):

Labcorp Genetics (formerly Invitae), Labcorp
Classification: Likely benign for Hyperkalemic periodic paralysis. Last evaluated: 2025-03-12. Review status: criteria provided, single submitter. Criteria: Invitae Variant Classification Sherloc (09022015). Collection method: clinical testing. Allele origin: germline.

PreventionGenetics, part of Exact Sciences
Classification: Likely benign for SCN4A-related condition. Last evaluated: 2025-01-22. Review status: criteria provided, single submitter. Criteria: ACMG Guidelines, 2015. Collection method: clinical testing. Allele origin: germline.
Comment: This variant is classified as likely benign based on ACMG/AMP sequence variant interpretation guidelines (Richards et al. 2015 PMID: 25741868, with internal and published modifications).

Ambry Genetics
Classification: Uncertain significance for Inborn genetic diseases. Last evaluated: 2024-04-20. Review status: criteria provided, single submitter. Criteria: Ambry Variant Classification Scheme 2023. Collection method: clinical testing. Allele origin: germline.

NM_000334.4(SCN4A):c.1623C>G (p.His541Gln)

Gene: SCN4A (sodium voltage-gated channel alpha subunit 4; minus strand). Cytogenetic location: 17q23.3.
Variant type: single nucleotide variant.
Coding change: c.1623C>G on transcript NM_000334.4 (MANE Select); coding-DNA position 1623, C replaced by G.
Protein change: p.His541Gln; replaces histidine 541 with glutamine.
Molecular consequence: missense variant.
Genome position (GRCh38, 1-based): chr17:63,961,415, G>C on the plus strand (C>G on the coding strand, the complement: SCN4A is on the minus strand). VCF-style: chr17-63961415-G-C. GRCh37 (hg19) VCF-style: chr17-62038775-G-C.
Other names: short protein forms H541Q.
Identifiers: ClinVar variation 1109826 (VCV001109826.11), dbSNP rs538390338, ClinGen allele CA8709766.
Genomic context (GRCh38, chr17:63,961,415, plus strand): 5'-GCAGCAGTTCCATATGAGCACTTTGTGGGCGCACTTGTACCACCATGGTGGGCACTTTTG[G>C]TGGGCCTCTTCCAGTTCTGGGAGAGGGGTGGTAGCAGGTATCTGGTGAGGATTATCCCCT-3'
Protein context (NP_000325.4, residues 531-551): SDAMEELEEA[His541Gln]QKCPPWWYKC